The following is an entry in ClinVar:

NM_001035.3(RYR2):c.11763A>G (p.Thr3921=)

Gene: RYR2 (ryanodine receptor 2; plus strand). Cytogenetic location: 1q43.
Variant type: single nucleotide variant.
Coding change: c.11763A>G on transcript NM_001035.3 (MANE Select); coding-DNA position 11763, A replaced by G.
Protein change: p.Thr3921=; no amino-acid change (threonine 3921 retained).
Molecular consequence: synonymous variant.
Genome position (GRCh38, 1-based): chr1:237,773,636, A>G. VCF-style: chr1-237773636-A-G. GRCh37 (hg19) VCF-style: chr1-237936936-A-G.
Identifiers: ClinVar variation 920634 (VCV000920634.4), dbSNP rs1694434725, ClinGen allele CA423823338.

ClinVar aggregate classification (germline): Likely benign. Review status: criteria provided, multiple submitters, no conflicts (2 of 4 stars). 3 submissions from 3 submitters: Likely benign (3). Last evaluated 2025-08-29.

Conditions:
Catecholaminergic polymorphic ventricular tachycardia (CVPT). Also called: Catecholamine-induced polymorphic ventricular tachycardia. Identifiers: Orphanet 3286, MedGen C5574922, MONDO:0017990.
Catecholaminergic polymorphic ventricular tachycardia 1. Also called: VENTRICULAR TACHYCARDIA, CATECHOLAMINERGIC POLYMORPHIC, 1, WITH OR WITHOUT ATRIAL DYSFUNCTION AND/OR DILATED CARDIOMYOPATHY; RYR2-Related Catecholaminergic Polymorphic Ventricular Tachycardia; VENTRICULAR TACHYCARDIA, STRESS-INDUCED POLYMORPHIC 1. Identifiers: Orphanet 3286, MedGen C1631597, MONDO:0011484, OMIM 604772.
Cardiomyopathy (CMYO). Also called: Cardiomyopathies. Identifiers: Orphanet 167848, MedGen C0878544, MONDO:0004994, HP:0001638. Inheritance: Various modes of inheritance.

Allele frequency attached by ClinVar (database versions not stated): gnomAD exomes below 0.00001.
gnomAD v4.1: 2 of 1,612,106 alleles (0.00012%); highest among the groups gnomAD compares: Non-Finnish European, 0.00017%; no homozygotes.

Submissions (3):

Labcorp Genetics (formerly Invitae), Labcorp
Classification: Likely benign for Catecholaminergic polymorphic ventricular tachycardia 1. Last evaluated: 2025-08-29. Review status: criteria provided, single submitter. Criteria: Invitae Variant Classification Sherloc (09022015). Collection method: clinical testing. Allele origin: germline.

All of Us Research Program, National Institutes of Health
Classification: Likely benign for Catecholaminergic polymorphic ventricular tachycardia. Last evaluated: 2023-04-10. Review status: criteria provided, single submitter. Criteria: ACMG Guidelines, 2015. Collection method: clinical testing. Allele origin: germline. Inheritance: Autosomal dominant inheritance. Observed: 1 variant allele, 1 heterozygote.
Comment: This study involves interpretation of variants in research participants for the purpose of population health screening. Participant phenotype was not available at the time of variant classification. Additional details can be found in publication PMID: 35346344, PMCID: PMC8962531

Color Diagnostics, LLC DBA Color Health
Classification: Likely benign for Cardiomyopathy. Last evaluated: 2019-09-30. Review status: criteria provided, single submitter. Criteria: ACMG Guidelines, 2015. Collection method: clinical testing. Allele origin: germline.